The following is an entry in ClinVar:

ClinVar aggregate classification (germline): Uncertain significance. Review status: criteria provided, multiple submitters, no conflicts (2 of 4 stars). 2 submissions from 2 submitters: Uncertain significance (2). Last evaluated 2024-02-21.

Conditions:
Tuberous sclerosis 1 (TSC1). Identifiers: Orphanet 805, MedGen C1854465, MONDO:0008612, OMIM 191100.
Hereditary cancer-predisposing syndrome. Also called: Hereditary Cancer Syndrome; Hereditary neoplastic syndrome; Neoplastic Syndromes, Hereditary; Tumor predisposition. Identifiers: Orphanet 140162, MedGen C0027672, MeSH D009386, MONDO:0015356.

Submissions (2):

Ambry Genetics
Classification: Uncertain significance for Hereditary cancer-predisposing syndrome. Last evaluated: 2024-02-21. Review status: criteria provided, single submitter. Criteria: Ambry Variant Classification Scheme 2023. Collection method: clinical testing. Allele origin: germline.
Comment: The p.V416F variant (also known as c.1246G>T), located in coding exon 10 of the TSC1 gene, results from a G to T substitution at nucleotide position 1246. The valine at codon 416 is replaced by phenylalanine, an amino acid with highly similar properties. This alteration was identified in 1 of 374 individuals with clinically suspected TSC undergoing genetic testing within the TSC1 and TSC2 genes (Meng Y et al. J Hum Genet, 2021 Mar;66:227-236). This amino acid position is poorly conserved in available vertebrate species. In addition, this alteration is predicted to be tolerated by in silico analysis. Based on the available evidence, the clinical significance of this alteration remains unclear.

Labcorp Genetics (formerly Invitae), Labcorp
Classification: Uncertain significance for Tuberous sclerosis 1. Last evaluated: 2022-11-08. Review status: criteria provided, single submitter. Criteria: Invitae Variant Classification Sherloc (09022015). Collection method: clinical testing. Allele origin: germline.
Comment: In summary, the available evidence is currently insufficient to determine the role of this variant in disease. Therefore, it has been classified as a Variant of Uncertain Significance. Advanced modeling of protein sequence and biophysical properties (such as structural, functional, and spatial information, amino acid conservation, physicochemical variation, residue mobility, and thermodynamic stability) performed at Invitae indicates that this missense variant is not expected to disrupt TSC1 protein function. This variant has not been reported in the literature in individuals affected with TSC1-related conditions. This variant is not present in population databases (gnomAD no frequency). This sequence change replaces valine, which is neutral and non-polar, with phenylalanine, which is neutral and non-polar, at codon 416 of the TSC1 protein (p.Val416Phe).

Literature cited by the submitters: PubMed 32917966 (cited by Ambry Genetics).

NM_000368.5(TSC1):c.1246G>T (p.Val416Phe)

Gene: TSC1 (TSC complex subunit 1; minus strand). Cytogenetic location: 9q34.13.
Variant type: single nucleotide variant.
Coding change: c.1246G>T on transcript NM_000368.5 (MANE Select); coding-DNA position 1246, G replaced by T.
Protein change: p.Val416Phe; replaces valine 416 with phenylalanine.
Molecular consequence: missense variant. On other transcripts: non-coding transcript variant (5).
Genome position (GRCh38, 1-based): chr9:132,910,588, C>A on the plus strand (G>T on the coding strand, the complement: TSC1 is on the minus strand). VCF-style: chr9-132910588-C-A. GRCh37 (hg19) VCF-style: chr9-135785975-C-A.
Other names: c.1243G>T, p.Val415Phe (NM_001162426.2, NM_001406608.1, NM_001406609.1 and 6 more transcripts); c.1093G>T, p.Val365Phe (NM_001162427.2, NM_001406610.1); c.883G>T, p.Val295Phe (NM_001362177.2, NM_001406624.1, NM_001406614.1 and 5 more transcripts); c.1246G>T, p.Val416Phe (NM_001406592.1, NM_001406593.1, NM_001406594.1 and 7 more transcripts); c.1090G>T, p.Val364Phe (NM_001406611.1, NM_001406612.1, NM_001406613.1); c.880G>T, p.Val294Phe (NM_001406625.1, NM_001406620.1, NM_001406621.1 and 2 more transcripts); c.295G>T, p.Val99Phe (NM_001406626.1); c.292G>T, p.Val98Phe (NM_001406627.1, NM_001406628.1); and 1 more; short protein forms V99F, V365F, V416F, V65F, V295F, V364F, V294F, V415F.
Identifiers: ClinVar variation 2812751 (VCV002812751.4), dbSNP rs2131938961, ClinGen allele CA375366779.
Genomic context (GRCh38, chr9:132,910,588, plus strand): 5'-CACTGTGCCTGGGCAGAGGGATAGCAGACGAGCTGGATCGCACCTTCCTGGGGGGTGTGA[C>A]TGTGGCCTGGGGGAGTGAAATGTGCACGTAGTCATCCGAATGACAGAGTGGGGCTGGAGG-3'
Protein context (NP_000359.1, residues 406-426): YVHISLPQAT[Val416Phe]TPPRKEERMD